The following is an entry in ClinVar:

NM_014043.4(CHMP2B):c.614G>T (p.Arg205Leu)

Gene: CHMP2B (charged multivesicular body protein 2B; plus strand). Cytogenetic location: 3p11.2.
Variant type: single nucleotide variant.
Coding change: c.614G>T on transcript NM_014043.4 (MANE Select); coding-DNA position 614, G replaced by T.
Protein change: p.Arg205Leu; replaces arginine 205 with leucine.
Molecular consequence: missense variant.
Genome position (GRCh38, 1-based): chr3:87,253,794, G>T. VCF-style: chr3-87253794-G-T. GRCh37 (hg19) VCF-style: chr3-87302944-G-T.
Other names: c.614G>T (NM_014043.3); c.491G>T, p.Arg164Leu (NM_001244644.2); c.710G>T, p.Arg237Leu (NM_001410777.1); short protein forms R237L, R164L, R205L.
Identifiers: ClinVar variation 2941625 (VCV002941625.4), dbSNP rs750217435, ClinGen allele CA353697872.

ClinVar aggregate classification (germline): Uncertain significance. Review status: criteria provided, multiple submitters, no conflicts (2 of 4 stars). 2 submissions from 2 submitters: Uncertain significance (2). Last evaluated 2024-06-03.

Conditions:
Frontotemporal dementia and/or amyotrophic lateral sclerosis 7 (FTDALS7). Also called: CHMP2B-related frontotemporal dementia; AMYOTROPHIC LATERAL SCLEROSIS, CHMP2B-RELATED; Amyotrophic lateral sclerosis 17; CHMP2B-Related Frontotemporal Dementia-Amyotrophic Lateral Sclerosis. Identifiers: Orphanet 275864, Orphanet 282, Orphanet 803, MedGen C1833296, MONDO:0010936, OMIM 600795.
Inborn genetic diseases. Identifiers: MedGen C0950123, MeSH D030342.

gnomAD v4.1: 10 of 1,611,766 alleles (0.00062%); highest among the groups gnomAD compares: Non-Finnish European, 0.00068%; no homozygotes.

Submissions (2):

Ambry Genetics
Classification: Uncertain significance for Inborn genetic diseases. Last evaluated: 2024-06-03. Review status: criteria provided, single submitter. Criteria: Ambry Variant Classification Scheme 2023. Collection method: clinical testing. Allele origin: germline.
Comment: The c.614G>T (p.R205L) alteration is located in exon 6 (coding exon 6) of the CHMP2B gene. This alteration results from a G to T substitution at nucleotide position 614, causing the arginine (R) at amino acid position 205 to be replaced by a leucine (L). Based on data from gnomAD, the T allele has an overall frequency of <0.001% (1/250474) total alleles studied. The highest observed frequency was 0.001% (1/113008) of European (non-Finnish) alleles. This nucleotide position is highly conserved in available vertebrate species. The in silico prediction for this alteration is inconclusive. Based on insufficient or conflicting evidence, the clinical significance of this alteration remains unclear.

Labcorp Genetics (formerly Invitae), Labcorp
Classification: Uncertain significance for Frontotemporal dementia and/or amyotrophic lateral sclerosis 7. Last evaluated: 2023-12-30. Review status: criteria provided, single submitter. Criteria: Invitae Variant Classification Sherloc (09022015). Collection method: clinical testing. Allele origin: germline.
Comment: This sequence change replaces arginine, which is basic and polar, with leucine, which is neutral and non-polar, at codon 205 of the CHMP2B protein (p.Arg205Leu). The frequency data for this variant in the population databases is considered unreliable, as metrics indicate poor data quality at this position in the gnomAD database. This variant has not been reported in the literature in individuals affected with CHMP2B-related conditions. An algorithm developed to predict the effect of missense changes on protein structure and function (PolyPhen-2) suggests that this variant is likely to be disruptive. In summary, the available evidence is currently insufficient to determine the role of this variant in disease. Therefore, it has been classified as a Variant of Uncertain Significance.